The following is an entry in ClinVar:

NM_001368894.2(PAX6):c.560del (p.Thr187fs)

Gene: PAX6 (paired box 6; minus strand). Cytogenetic location: 11p13.
Variant type: Deletion.
Coding change: c.560del on transcript NM_001368894.2 (MANE Select); coding-DNA position 560, one base deleted (C; older notation c.560delC).
Protein change: p.Thr187fs; shifts the reading frame from threonine 187.
Molecular consequence: frameshift variant. On other transcripts: non-coding transcript variant (2).
Genome position (GRCh38, 1-based): chr11:31,800,696, G deleted on the plus strand (C on the coding strand, the reverse complement: PAX6 is on the minus strand). VCF-style (leftmost placement, unchanged base first): chr11-31800695-CG-C. GRCh37 (hg19) VCF-style: chr11-31822243-CG-C.
Other names: c.518del, p.Thr173fs (NM_000280.6, NM_001127612.3, NM_001258464.2 and 10 more transcripts); c.560del, p.Thr187fs (NM_001258462.3, NM_001258463.2, NM_001310158.2 and 6 more transcripts); c.110del, p.Thr37fs (NM_001310160.2, NM_001310161.3, NM_001368899.2 and 11 more transcripts); c.761del, p.Thr254fs (NM_001368910.2); c.563del, p.Thr188fs (NM_001368911.2); c.635del, p.Thr212fs (NM_001368918.2, NM_001368919.2); c.593del, p.Thr198fs (NM_001368920.2); c.359del, p.Thr120fs (NM_001368921.2, NM_001368922.2, NM_001368923.2 and 4 more transcripts); and 1 more; short protein forms T173fs, T188fs, T106fs, T120fs, T254fs, T187fs, T198fs, T212fs.
Identifiers: ClinVar variation 2102913 (VCV002102913.4), dbSNP rs2495965520, ClinGen allele CA2580082912.
Genomic context (GRCh38, chr11:31,800,695, plus strand): 5'-GACAGGCAAAGGGATGCACATATGGAGAGCTGCGTGGATGGCTGCTTGGGTTTTACCTTG[CG>C]TAGGTTGCCCTGGCACCGAAGTCCCCGGATACCAACCAGGGCGGGTGCCCCAGCTTCCGG-3'

ClinVar aggregate classification (germline): Pathogenic (1 of 4 stars; one submission).

Conditions:
Aniridia 1 (AN1). Identifiers: Orphanet 250923, MedGen C0344542, MONDO:0024507, OMIM 106210.
Irido-corneo-trabecular dysgenesis (ASGD5). Also called: ANTERIOR SEGMENT DYSGENESIS 5. Identifiers: Orphanet 708, MedGen C0344559, MONDO:0011414, OMIM 604229, HP:0000659.

Submission:

Labcorp Genetics (formerly Invitae), Labcorp
Classification: Pathogenic for Aniridia 1; Irido-corneo-trabecular dysgenesis. Last evaluated: 2022-02-24. Review status: criteria provided, single submitter. Criteria: Invitae Variant Classification Sherloc (09022015). Collection method: clinical testing. Allele origin: germline.
Comment: This variant is not present in population databases (gnomAD no frequency). This sequence change creates a premature translational stop signal (p.Thr173Serfs*34) in the PAX6 gene. It is expected to result in an absent or disrupted protein product. Loss-of-function variants in PAX6 are known to be pathogenic (PMID: 12634864). For these reasons, this variant has been classified as Pathogenic. This variant has not been reported in the literature in individuals affected with PAX6-related conditions.

Literature cited by the submitters: PubMed 12634864.